The following is an entry in ClinVar:

ClinVar aggregate classification (germline): Uncertain significance. Review status: criteria provided, multiple submitters, no conflicts (2 of 4 stars). 2 submissions from 2 submitters: Uncertain significance (2). Last evaluated 2024-10-08.

Conditions:
Inborn genetic diseases. Identifiers: MedGen C0950123, MeSH D030342.

Allele frequency attached by ClinVar (database versions not stated): TOPMed 0.00001; gnomAD 0.00001.

Submissions (2):

Ambry Genetics
Classification: Uncertain significance for Inborn genetic diseases. Last evaluated: 2024-10-08. Review status: criteria provided, single submitter. Criteria: Ambry Variant Classification Scheme 2023. Collection method: clinical testing. Allele origin: germline.

Labcorp Genetics (formerly Invitae), Labcorp
Classification: Uncertain significance. Last evaluated: 2022-07-12. Review status: criteria provided, single submitter. Criteria: Invitae Variant Classification Sherloc (09022015). Collection method: clinical testing. Allele origin: germline.
Comment: This sequence change replaces glutamic acid, which is acidic and polar, with lysine, which is basic and polar, at codon 580 of the CNGB1 protein (p.Glu580Lys). This variant is not present in population databases (gnomAD no frequency). This variant has not been reported in the literature in individuals affected with CNGB1-related conditions. ClinVar contains an entry for this variant (Variation ID: 852753). Algorithms developed to predict the effect of missense changes on protein structure and function are either unavailable or do not agree on the potential impact of this missense change (SIFT: "Tolerated"; PolyPhen-2: "Possibly Damaging"; Align-GVGD: "Class C0"). In summary, the available evidence is currently insufficient to determine the role of this variant in disease. Therefore, it has been classified as a Variant of Uncertain Significance.

NM_001297.5(CNGB1):c.1738G>A (p.Glu580Lys)

Gene: CNGB1 (cyclic nucleotide gated channel subunit beta 1; minus strand). Cytogenetic location: 16q21.
Variant type: single nucleotide variant.
Coding change: c.1738G>A on transcript NM_001297.5 (MANE Select); coding-DNA position 1738, G replaced by A.
Protein change: p.Glu580Lys; replaces glutamic acid 580 with lysine.
Molecular consequence: missense variant.
Genome position (GRCh38, 1-based): chr16:57,920,450, C>T on the plus strand (G>A on the coding strand, the complement: CNGB1 is on the minus strand). VCF-style: chr16-57920450-C-T. GRCh37 (hg19) VCF-style: chr16-57954354-C-T.
Other names: c.1720G>A, p.Glu574Lys (NM_001286130.2); short protein forms E580K, E574K.
Identifiers: ClinVar variation 852753 (VCV000852753.9), dbSNP rs369515579, ClinGen allele CA281604530.